The following is an entry in ClinVar:

ClinVar aggregate classification (germline): Uncertain significance (1 of 4 stars; one submission).

Submission:

Labcorp Genetics (formerly Invitae), Labcorp
Classification: Uncertain significance. Last evaluated: 2023-07-19. Review status: criteria provided, single submitter. Criteria: Invitae Variant Classification Sherloc (09022015). Collection method: clinical testing. Allele origin: germline.
Comment: In summary, the available evidence is currently insufficient to determine the role of this variant in disease. Therefore, it has been classified as a Variant of Uncertain Significance. Advanced modeling of protein sequence and biophysical properties (such as structural, functional, and spatial information, amino acid conservation, physicochemical variation, residue mobility, and thermodynamic stability) has been performed at Invitae for this missense variant, however the output from this modeling did not meet the statistical confidence thresholds required to predict the impact of this variant on DSG1 protein function. This variant has not been reported in the literature in individuals affected with DSG1-related conditions. This variant is not present in population databases (gnomAD no frequency). This sequence change replaces histidine, which is basic and polar, with tyrosine, which is neutral and polar, at codon 358 of the DSG1 protein (p.His358Tyr).

NM_001942.4(DSG1):c.1072C>T (p.His358Tyr)

Gene: DSG1 (desmoglein 1; plus strand). Cytogenetic location: 18q12.1.
Variant type: single nucleotide variant.
Coding change: c.1072C>T on transcript NM_001942.4 (MANE Select); coding-DNA position 1072, C replaced by T.
Protein change: p.His358Tyr; replaces histidine 358 with tyrosine.
Molecular consequence: missense variant.
Genome position (GRCh38, 1-based): chr18:31,336,420, C>T. VCF-style: chr18-31336420-C-T. GRCh37 (hg19) VCF-style: chr18-28916383-C-T.
Other names: short protein forms H358Y.
Identifiers: ClinVar variation 2789564 (VCV002789564.3), dbSNP rs2510834330, ClinGen allele CA402133233.